The following is an entry in ClinVar:

NM_001267550.2(TTN):c.1693del (p.Ser565fs)

Gene: TTN (titin; minus strand). Cytogenetic location: 2q31.2.
Variant type: Deletion.
Coding change: c.1693del on transcript NM_001267550.2 (MANE Select); coding-DNA position 1693, one base deleted (T; older notation c.1693delT).
Protein change: p.Ser565fs; shifts the reading frame from serine 565.
Molecular consequence: frameshift variant. On other transcripts: intron variant (3).
Genome position (GRCh38, 1-based): chr2:178,790,815, A deleted on the plus strand (T on the coding strand, the reverse complement: TTN is on the minus strand). VCF-style (leftmost placement, unchanged base first): chr2-178790814-GA-G. GRCh37 (hg19) VCF-style: chr2-179655541-GA-G.
Other names: c.1693del, p.Ser565fs (NM_001256850.1, NM_133378.4, NM_133379.5); c.1663-700del (NM_003319.4, NM_133437.4, NM_133432.3); c.1693delT (NM_001256850.1); short protein forms S565fs.
Identifiers: ClinVar variation 426427 (VCV000426427.4), dbSNP rs1085307619, ClinGen allele CA645293795.

ClinVar aggregate classification (germline): Uncertain significance. Review status: criteria provided, multiple submitters, no conflicts (2 of 4 stars). 2 submissions from 2 submitters: Uncertain significance (2). Last evaluated 2017-07-31.

Conditions:
Cardiomyopathy (CMYO). Also called: Cardiomyopathies. Identifiers: Orphanet 167848, MedGen C0878544, MONDO:0004994, HP:0001638. Inheritance: Various modes of inheritance.

Submissions (2):

CHEO Genetics Diagnostic Laboratory, Children's Hospital of Eastern Ontario
Classification: Uncertain significance for Cardiomyopathy. Last evaluated: 2017-07-31. Review status: criteria provided, single submitter. Criteria: ACMG Guidelines, 2015. Collection method: clinical testing. Allele origin: germline. Study: Canadian Open Genetics Repository.

GeneDx
Classification: Uncertain significance. Last evaluated: 2017-04-17. Review status: criteria provided, single submitter. Criteria: GeneDx Variant Classification (06012015). Collection method: clinical testing. Allele origin: germline. Affected: yes.
Comment: The c.1693delT variant in the TTN gene has not been reported previously as a pathogenic variant nor as a benign variant, to our knowledge. The c.1693del variant causes a frameshift starting with codon Serine 565, changes this amino acid to a Proline residue, and creates a premature Stop codon at position 4 of the new reading frame, denoted p.Ser565ProfsX4. This variant is predicted to cause loss of normal protein function either through protein truncation or nonsense-mediated mRNA decay. However, the c.1693delT variant is located within the Z-disk region of TTN. The c.1693delT variant is not observed in large population cohorts (Lek et al., 2016; 1000 Genomes Consortium et al., 2015; Exome Variant Server). We interpret c.1693delT as a variant of uncertain significance.